The following is an entry in ClinVar:

ClinVar aggregate classification (germline): Uncertain significance. Review status: criteria provided, multiple submitters, no conflicts (2 of 4 stars). 2 submissions from 2 submitters: Uncertain significance (2). Last evaluated 2025-08-20.

Conditions:
Arrhythmogenic right ventricular dysplasia 11. Also called: ARRHYTHMOGENIC RIGHT VENTRICULAR DYSPLASIA, FAMILIAL, 11; Arrhythmogenic Right Ventricular Dysplasia/Cardiomyopathy11; Arrhythmogenic right ventricular dysplasia 11 with mild palmoplantar keratoderma and woolly hair. Identifiers: MedGen C1864850, MONDO:0012506, OMIM 610476.

gnomAD v4.1: 1 of 1,612,968 alleles (0.000062%); highest among the groups gnomAD compares: Non-Finnish European, 0.000085%; no homozygotes.

Submissions (2):

Labcorp Genetics (formerly Invitae), Labcorp
Classification: Uncertain significance for Arrhythmogenic right ventricular dysplasia 11. Last evaluated: 2025-08-20. Review status: criteria provided, single submitter. Criteria: Invitae Variant Classification Sherloc (09022015). Collection method: clinical testing. Allele origin: germline.
Comment: This sequence change replaces serine, which is neutral and polar, with tyrosine, which is neutral and polar, at codon 359 of the DSC2 protein (p.Ser359Tyr). This variant is not present in population databases (gnomAD no frequency). This variant has not been reported in the literature in individuals affected with DSC2-related conditions. An algorithm developed to predict the effect of missense changes on protein structure and function (PolyPhen-2) suggests that this variant is likely to be disruptive. In summary, the available evidence is currently insufficient to determine the role of this variant in disease. Therefore, it has been classified as a Variant of Uncertain Significance.

Blueprint Genetics
Classification: Uncertain significance. Last evaluated: 2022-11-11. Review status: criteria provided, single submitter. Criteria: ACMG Guidelines, 2015. Collection method: clinical testing. Allele origin: germline.

NM_024422.6(DSC2):c.1076C>A (p.Ser359Tyr)

Gene: DSC2 (desmocollin 2; minus strand). Cytogenetic location: 18q12.1.
Variant type: single nucleotide variant.
Coding change: c.1076C>A on transcript NM_024422.6 (MANE Select); coding-DNA position 1076, C replaced by A.
Protein change: p.Ser359Tyr; replaces serine 359 with tyrosine.
Molecular consequence: missense variant.
Genome position (GRCh38, 1-based): chr18:31,082,927, G>T on the plus strand (C>A on the coding strand, the complement: DSC2 is on the minus strand). VCF-style: chr18-31082927-G-T. GRCh37 (hg19) VCF-style: chr18-28662893-G-T.
Other names: c.647C>A, p.Ser216Tyr (NM_001406506.1, NM_001406507.1); c.1076C>A, p.Ser359Tyr (NM_004949.5); short protein forms S216Y, S359Y.
Identifiers: ClinVar variation 4696257 (VCV004696257.2).